The following is an entry in ClinVar:

ClinVar aggregate classification (germline): Uncertain significance (1 of 4 stars; one submission).

Conditions:
Familial hypobetalipoproteinemia 1. Also called: APOB-Related Familial Hypobetalipoproteinemia; Hypobetalipoproteinemia, normotriglyceridemic; Acanthocytosis with hypobetalipoproteinemia. Identifiers: MedGen C4551990, MONDO:0014252, OMIM 615558.
Hypercholesterolemia, autosomal dominant, type B (FHCL2). Also called: Familial Hypercholesterolemia Type B; APOLIPOPROTEIN B-100, FAMILIAL DEFECTIVE; APOLIPOPROTEIN B-100, FAMILIAL LIGAND-DEFECTIVE; HYPERCHOLESTEROLEMIA, FAMILIAL, DUE TO LIGAND-DEFECTIVE APOLIPOPROTEIN B; Hyperlipoproteinemia Type IIb; Familial hypercholesterolemia 2. Identifiers: MedGen C1704417, MONDO:0007751, OMIM 144010.

Submission:

Labcorp Genetics (formerly Invitae), Labcorp
Classification: Uncertain significance for Familial hypobetalipoproteinemia 1; Hypercholesterolemia, autosomal dominant, type B. Last evaluated: 2024-02-16. Review status: criteria provided, single submitter. Criteria: Invitae Variant Classification Sherloc (09022015). Collection method: clinical testing. Allele origin: germline.
Comment: This sequence change falls in intron 21 of the APOB gene. It does not directly change the encoded amino acid sequence of the APOB protein. This variant is not present in population databases (gnomAD no frequency). This variant has not been reported in the literature in individuals affected with APOB-related conditions. Algorithms developed to predict the effect of sequence changes on RNA splicing suggest that this variant may disrupt the consensus splice site. In summary, the available evidence is currently insufficient to determine the role of this variant in disease. Therefore, it has been classified as a Variant of Uncertain Significance.

NM_000384.3(APOB):c.3333-18T>A

Gene: APOB (apolipoprotein B; minus strand). Cytogenetic location: 2p24.1.
Variant type: single nucleotide variant.
Coding change: c.3333-18T>A on transcript NM_000384.3 (MANE Select); 18 bases into the intron before coding-DNA position 3333, T replaced by A.
Molecular consequence: intron variant.
Genome position (GRCh38, 1-based): chr2:21,015,563, A>T on the plus strand (T>A on the coding strand, the complement: APOB is on the minus strand). VCF-style: chr2-21015563-A-T. GRCh37 (hg19) VCF-style: chr2-21238435-A-T.
Identifiers: ClinVar variation 3754719 (VCV003754719.2).